The following is an entry in ClinVar:

NM_000717.5(CA4):c.11T>C (p.Leu4Pro)

Gene: CA4 (carbonic anhydrase 4; plus strand). Cytogenetic location: 17q23.1.
Variant type: single nucleotide variant.
Coding change: c.11T>C on transcript NM_000717.5 (MANE Select); coding-DNA position 11, T replaced by C.
Protein change: p.Leu4Pro; replaces leucine 4 with proline.
Molecular consequence: missense variant. On other transcripts: non-coding transcript variant (1).
Genome position (GRCh38, 1-based): chr17:60,150,045, T>C. VCF-style: chr17-60150045-T-C. GRCh37 (hg19) VCF-style: chr17-58227406-T-C.
Other names: short protein forms L4P.
Identifiers: ClinVar variation 2094172 (VCV002094172.5), dbSNP rs1024641694, ClinGen allele CA292199955.

ClinVar aggregate classification (germline): Uncertain significance. Review status: criteria provided, multiple submitters, no conflicts (2 of 4 stars). 2 submissions from 2 submitters: Uncertain significance (2). Last evaluated 2023-07-17.

Allele frequency attached by ClinVar (database versions not stated): gnomAD exomes below 0.00001; gnomAD 0.00001; TOPMed 0.00002.
gnomAD v4.1: 2 of 1,602,268 alleles (0.00012%); highest among the groups gnomAD compares: Non-Finnish European, 0.00017%; no homozygotes.

Submissions (2):

Labcorp Genetics (formerly Invitae), Labcorp
Classification: Uncertain significance. Last evaluated: 2023-07-17. Review status: criteria provided, single submitter. Criteria: Invitae Variant Classification Sherloc (09022015). Collection method: clinical testing. Allele origin: germline.
Comment: This variant is not present in population databases (gnomAD no frequency). This sequence change replaces leucine, which is neutral and non-polar, with proline, which is neutral and non-polar, at codon 4 of the CA4 protein (p.Leu4Pro). This variant has not been reported in the literature in individuals affected with CA4-related conditions. ClinVar contains an entry for this variant (Variation ID: 2094172). Algorithms developed to predict the effect of missense changes on protein structure and function output the following: SIFT: "Not Available"; PolyPhen-2: "Possibly Damaging"; Align-GVGD: "Not Available". The proline amino acid residue is found in multiple mammalian species, which suggests that this missense change does not adversely affect protein function. In summary, the available evidence is currently insufficient to determine the role of this variant in disease. Therefore, it has been classified as a Variant of Uncertain Significance.

Blueprint Genetics
Classification: Uncertain significance. Last evaluated: 2019-01-20. Review status: criteria provided, single submitter. Criteria: ACMG Guidelines, 2015. Collection method: clinical testing. Allele origin: germline.